The following is an entry in ClinVar:

NM_003070.5(SMARCA2):c.1540T>C (p.Tyr514His)

Gene: SMARCA2 (SWI/SNF related, matrix associated, actin dependent regulator of chromatin, subfamily a, member 2; plus strand). Cytogenetic location: 9p24.3.
Variant type: single nucleotide variant.
Coding change: c.1540T>C on transcript NM_003070.5 (MANE Select); coding-DNA position 1540, T replaced by C.
Protein change: p.Tyr514His; replaces tyrosine 514 with histidine.
Molecular consequence: missense variant.
Genome position (GRCh38, 1-based): chr9:2,060,834, T>C. VCF-style: chr9-2060834-T-C. GRCh37 (hg19) VCF-style: chr9-2060834-T-C.
Other names: c.1540T>C, p.Tyr514His (NM_001289396.2, NM_001289397.2, NM_139045.4); short protein forms Y514H.
Identifiers: ClinVar variation 452666 (VCV000452666.2), dbSNP rs1554619354, ClinGen allele CA372782408.

ClinVar aggregate classification (germline): Likely pathogenic (1 of 4 stars; one submission).

Submission:

GeneDx
Classification: Likely pathogenic. Last evaluated: 2017-10-12. Review status: criteria provided, single submitter. Criteria: GeneDx Variant Classification (06012015). Collection method: clinical testing. Allele origin: germline. Affected: yes.
Comment: The Y514H variant has not been published as a pathogenic variant, nor has it been reported as a benign variant to our knowledge. The Y514H variant is not observed in large population cohorts (Lek et al., 2016). The Y514H variant is a non-conservative amino acid substitution, which is likely to impact secondary protein structure as these residues differ in polarity, charge, size and/or other properties. Additionally, this substitution occurs at a position that is conserved across species, and in silico analysis predicts this variant is probably damaging to the protein structure/function. Therefore, this variant is likely pathogenic.